The following is an entry in ClinVar:

NM_000059.4(BRCA2):c.9256G>T (p.Gly3086Ter)

Gene: BRCA2 (BRCA2 DNA repair associated; plus strand). Cytogenetic location: 13q13.1.
Variant type: single nucleotide variant.
Coding change: c.9256G>T on transcript NM_000059.4 (MANE Select); coding-DNA position 9256, G replaced by T.
Protein change: p.Gly3086Ter; replaces glycine 3086 with a stop codon.
Molecular consequence: nonsense.
Genome position (GRCh38, 1-based): chr13:32,380,145, G>T. VCF-style: chr13-32380145-G-T. GRCh37 (hg19) VCF-style: chr13-32954282-G-T.
Other names: short protein forms G3086*.
Identifiers: ClinVar variation 52788 (VCV000052788.4), dbSNP rs80359192, ClinGen allele CA026059.

ClinVar aggregate classification (germline): Pathogenic. Review status: reviewed by expert panel (3 of 4 stars). 3 submissions from 3 submitters: Pathogenic (1). 2 of the submissions do not count toward it. Last evaluated 2016-09-08.

Conditions:
Breast-ovarian cancer, familial, susceptibility to, 2 (BROVCA2). Also called: BRCA2 Hereditary Breast and Ovarian Cancer. Identifiers: Orphanet 145, MedGen C2675520, MONDO:0012933, OMIM 612555. Disease mechanism: loss of function.

Submissions (3):

Evidence-based Network for the Interpretation of Germline Mutant Alleles (ENIGMA)
Classification: Pathogenic for Breast-ovarian cancer, familial, susceptibility to, 2. Last evaluated: 2016-09-08. Review status: reviewed by expert panel. Criteria: ENIGMA BRCA1/2 Classification Criteria (2015). Collection method: curation. Allele origin: germline.
Comment: Variant allele predicted to encode a truncated non-functional protein.

Consortium of Investigators of Modifiers of BRCA1/2 (CIMBA), c/o University of Cambridge
Classification: Pathogenic for Breast-ovarian cancer, familial, susceptibility to, 2. Last evaluated: 2015-10-02. Review status: criteria provided, single submitter. Criteria: CIMBA Mutation Classification guidelines May 2016. Collection method: clinical testing. Allele origin: germline. Not counted in ClinVar's aggregate classification.

Breast Cancer Information Core (BIC) (BRCA2)
Classification: Pathogenic for Breast-ovarian cancer, familial 2. Last evaluated: 2002-05-29. Review status: no assertion criteria provided. Collection method: clinical testing. Allele origin: germline. Affected: yes. Observed: 3 variant alleles. Not counted in ClinVar's aggregate classification.